The following is an entry in ClinVar:

ClinVar aggregate classification (germline): Uncertain significance (1 of 4 stars; one submission).

Submission:

GeneDx
Classification: Uncertain significance. Last evaluated: 2019-11-13. Review status: criteria provided, single submitter. Criteria: GeneDx Variant Classification Process June 2021. Collection method: clinical testing. Allele origin: germline. Affected: yes.
Comment: Not observed in large population cohorts (Lek et al., 2016); In silico analysis, which includes splice predictors and evolutionary conservation, supports a deleterious effect; Has not been previously published as pathogenic or benign to our knowledge; Other splice site variants in the COL11A1 gene, including two variants affecting the same splice donor site (c.1845+1G>A, c.1845+5G>A), have been reported in HGMD in association with Stickler syndrome (Stenson et al., 2014); however, in the absence of functional mRNA studies the physiological consequence of this variant cannot be precisely determined

NM_001854.4(COL11A1):c.1845+3A>T

Gene: COL11A1 (collagen type XI alpha 1 chain; minus strand). Cytogenetic location: 1p21.1.
Variant type: single nucleotide variant.
Coding change: c.1845+3A>T on transcript NM_001854.4 (MANE Select); 3 bases into the intron after coding-DNA position 1845, A replaced by T.
Molecular consequence: intron variant.
Genome position (GRCh38, 1-based): chr1:103,005,835, T>A on the plus strand (A>T on the coding strand, the complement: COL11A1 is on the minus strand). VCF-style: chr1-103005835-T-A. GRCh37 (hg19) VCF-style: chr1-103471391-T-A.
Other names: c.1728+3A>T (NM_001190709.2); c.1881+3A>T (NM_080629.3); c.1497+3A>T (NM_080630.4).
Identifiers: ClinVar variation 1305468 (VCV001305468.2), dbSNP rs2101850931, ClinGen allele CA2573051327.